The following is an entry in ClinVar:

NM_172362.3(KCNH1):c.274A>G (p.Met92Val)

Gene: KCNH1 (potassium voltage-gated channel subfamily H member 1; minus strand). Cytogenetic location: 1q32.2.
Variant type: single nucleotide variant.
Coding change: c.274A>G on transcript NM_172362.3 (MANE Select); coding-DNA position 274, A replaced by G.
Protein change: p.Met92Val; replaces methionine 92 with valine.
Molecular consequence: missense variant.
Genome position (GRCh38, 1-based): chr1:211,103,532, T>C on the plus strand (A>G on the coding strand, the complement: KCNH1 is on the minus strand). VCF-style: chr1-211103532-T-C. GRCh37 (hg19) VCF-style: chr1-211276874-T-C.
Other names: c.274A>G, p.Met92Val (NM_002238.4); short protein forms M92V.
Identifiers: ClinVar variation 1393790 (VCV001393790.6), dbSNP rs1691299201, ClinGen allele CA344873598.

ClinVar aggregate classification (germline): Uncertain significance (1 of 4 stars; one submission).

Submission:

Labcorp Genetics (formerly Invitae), Labcorp
Classification: Uncertain significance. Last evaluated: 2022-12-06. Review status: criteria provided, single submitter. Criteria: Invitae Variant Classification Sherloc (09022015). Collection method: clinical testing. Allele origin: germline.
Comment: This sequence change replaces methionine, which is neutral and non-polar, with valine, which is neutral and non-polar, at codon 92 of the KCNH1 protein (p.Met92Val). In summary, the available evidence is currently insufficient to determine the role of this variant in disease. Therefore, it has been classified as a Variant of Uncertain Significance. Advanced modeling of protein sequence and biophysical properties (such as structural, functional, and spatial information, amino acid conservation, physicochemical variation, residue mobility, and thermodynamic stability) performed at Invitae indicates that this missense variant is expected to disrupt KCNH1 protein function. ClinVar contains an entry for this variant (Variation ID: 1393790). This variant has not been reported in the literature in individuals affected with KCNH1-related conditions. This variant is not present in population databases (gnomAD no frequency).